The following is an entry in ClinVar:

NM_022124.6(CDH23):c.7776G>A (p.Trp2592Ter)

Gene: CDH23 (cadherin related 23; plus strand). Cytogenetic location: 10q22.1.
Variant type: single nucleotide variant.
Coding change: c.7776G>A on transcript NM_022124.6 (MANE Select); coding-DNA position 7776, G replaced by A.
Protein change: p.Trp2592Ter; replaces tryptophan 2592 with a stop codon.
Molecular consequence: nonsense.
Genome position (GRCh38, 1-based): chr10:71,803,324, G>A. VCF-style: chr10-71803324-G-A. GRCh37 (hg19) VCF-style: chr10-73563081-G-A.
Other names: c.1056G>A, p.Trp352Ter (NM_001171933.1, NM_001171934.1); short protein forms W2592*, W352*.
Identifiers: ClinVar variation 46039 (VCV000046039.14), dbSNP rs397517353, ClinGen allele CA261799.

ClinVar aggregate classification (germline): Pathogenic/Likely pathogenic. Review status: criteria provided, multiple submitters, no conflicts (2 of 4 stars). 5 submissions from 5 submitters: Pathogenic (4); Likely pathogenic (1). Last evaluated 2025-04-07.

Conditions:
CDH23-related disorder. Also called: CDH23-related disorders; CDH23-related condition.
Rare genetic deafness. Identifiers: Orphanet 96210, MedGen C5680250.
Usher syndrome type 1D (USH1D). Also called: USHER SYNDROME, TYPE ID. Identifiers: Orphanet 231169, Orphanet 886, MedGen C1832845, MONDO:0010984, OMIM 601067.

Allele frequency attached by ClinVar (database versions not stated): gnomAD exomes 0.00001.
gnomAD v4.1: 4 of 1,594,444 alleles (0.00025%); highest among the groups gnomAD compares: Admixed American, 0.0069%; no homozygotes.

Submissions (5):

Labcorp Genetics (formerly Invitae), Labcorp
Classification: Pathogenic. Last evaluated: 2025-04-07. Review status: criteria provided, single submitter. Criteria: Invitae Variant Classification Sherloc (09022015). Collection method: clinical testing. Allele origin: germline.
Comment: This sequence change creates a premature translational stop signal (p.Trp2592*) in the CDH23 gene. It is expected to result in an absent or disrupted protein product. Loss-of-function variants in CDH23 are known to be pathogenic (PMID: 11138009, 21940737). This variant is present in population databases (rs397517353, gnomAD 0.007%). This variant has not been reported in the literature in individuals affected with CDH23-related conditions. ClinVar contains an entry for this variant (Variation ID: 46039). For these reasons, this variant has been classified as Pathogenic.

GeneDx
Classification: Pathogenic. Last evaluated: 2023-11-06. Review status: criteria provided, single submitter. Criteria: GeneDx Variant Classification Process June 2021. Collection method: clinical testing. Allele origin: germline. Affected: yes.
Comment: Nonsense variant predicted to result in protein truncation or nonsense mediated decay in a gene for which loss of function is a known mechanism of disease; Not observed at a significant frequency in large population cohorts (gnomAD); Has not been previously published as pathogenic or benign to our knowledge

3billion
Classification: Pathogenic for Usher syndrome type 1D. Last evaluated: 2023-09-25. Review status: criteria provided, single submitter. Criteria: ACMG Guidelines, 2015. Collection method: clinical testing. Allele origin: germline. Affected: yes.
Comment: The variant is observed at an extremely low frequency in the gnomAD v2.1.1 dataset (total allele frequency: 0.001%). Predicted Consequence/Location: Stop-gained (nonsense): predicted to result in a loss or disruption of normal protein function through nonsense-mediated decay (NMD) or protein truncation. Multiple pathogenic variants are reported downstream of the variant. The variant has been reported at least twice as pathogenic without evidence for the classification (ClinVar ID: VCV000046039). Therefore, this variant is classified as Pathogenic according to the recommendation of ACMG/AMP guideline.

Blueprint Genetics
Classification: Likely pathogenic for CDH23-related disorders. Last evaluated: 2021-10-18. Review status: criteria provided, single submitter. Criteria: ACMG Guidelines, 2015. Collection method: clinical testing. Allele origin: germline. Affected: yes. Observed: 3 variant alleles.

Laboratory for Molecular Medicine, Mass General Brigham Personalized Medicine
Classification: Pathogenic for Rare genetic deafness. Last evaluated: 2012-01-03. Review status: criteria provided, single submitter. Criteria: LMM Criteria. Collection method: clinical testing. Allele origin: germline. Inheritance: Autosomal recessive inheritance. Observed: 1 variant allele.
Comment: The Trp2592X variant in CDH23 has not been reported in the literature nor previo usly identified by our laboratory. However, the Trp2592X variant leads to a prem ature stop codon at position 2592, which is predicted to lead to a truncated or absent protein. In summary, this variant meets our criteria to be classified as pathogenic.

Literature cited by the submitters: PubMed 11138009 (cited by Labcorp Genetics (formerly Invitae), Labcorp); PubMed 21940737 (cited by Labcorp Genetics (formerly Invitae), Labcorp).